The following is an entry in ClinVar:

ClinVar aggregate classification (germline): Pathogenic/Likely pathogenic. Review status: criteria provided, multiple submitters, no conflicts (2 of 4 stars). 4 submissions from 4 submitters: Pathogenic (1); Likely pathogenic (3). Last evaluated 2025-11-21.

Conditions:
Epilepsy, idiopathic generalized, susceptibility to, 10. Identifiers: MedGen C2751603, MONDO:0013103, OMIM 613060.
GABRD-Related Disorders.

Submissions (4):

Women's Health and Genetics/Laboratory Corporation of America, LabCorp
Classification: Likely pathogenic for GABRD-Related Disorders. Last evaluated: 2025-11-21. Review status: criteria provided, single submitter. Criteria: LabCorp Variant Classification Summary - May 2015. Collection method: clinical testing. Allele origin: germline.
Comment: Variant summary: GABRD c.635C>T (p.Ala212Val) results in a non-conservative amino acid change in the encoded protein sequence. Algorithms developed to predict the effect of missense changes on protein structure and function are either unavailable or do not agree on the potential impact of this missense change. The variant was absent in 249072 control chromosomes. De novo missense/in-frame indels GABRD have been reported in patients with epilepsy, developmental delays, autism spectrum disorder, and intellectual disability (PMID:34633442). To our knowledge, no experimental evidence demonstrating an impact on protein function has been reported. ClinVar contains an entry for this variant (Variation ID: 2412913). Based on the evidence outlined above, the variant was classified as likely pathogenic.

3billion
Classification: Likely pathogenic for Epilepsy, idiopathic generalized, susceptibility to, 10. Last evaluated: 2025-04-02. Review status: criteria provided, single submitter. Criteria: ACMG Guidelines, 2015. Collection method: clinical testing. Allele origin: germline. Affected: yes.

GeneDx
Classification: Pathogenic. Last evaluated: 2025-01-22. Review status: criteria provided, single submitter. Criteria: GeneDx Variant Classification Process June 2021. Collection method: clinical testing. Allele origin: germline.
Comment: Not observed at significant frequency in large population cohorts (gnomAD); In silico analysis supports that this missense variant has a deleterious effect on protein structure/function; Has not been previously published as pathogenic or benign to our knowledge

Institute of Human Genetics, FAU Erlangen, Friedrich-Alexander-Universität Erlangen-Nürnberg
Classification: Likely pathogenic. Last evaluated: 2023-06-20. Review status: criteria provided, single submitter. Criteria: Hauer et al. (Genet Med. 2018). Collection method: clinical testing. Allele origin: germline. Inheritance: Autosomal dominant inheritance. Affected: yes. Observed: 1 variant allele.
Comment: This variant has been identified by standard clinical testing. de novo, intellectual disability (Ahring et al. 2022, PMID: 34633442) Selected ACMG criteria: Likely pathogenic (II):PP3;PP2;PM2;PS2

NM_000815.5(GABRD):c.635C>T (p.Ala212Val)

Gene: GABRD (gamma-aminobutyric acid type A receptor subunit delta; plus strand). Cytogenetic location: 1p36.33.
Variant type: single nucleotide variant.
Coding change: c.635C>T on transcript NM_000815.5 (MANE Select); coding-DNA position 635, C replaced by T.
Protein change: p.Ala212Val; replaces alanine 212 with valine.
Molecular consequence: missense variant.
Genome position (GRCh38, 1-based): chr1:2,028,236, C>T. VCF-style: chr1-2028236-C-T. GRCh37 (hg19) VCF-style: chr1-1959675-C-T.
Other names: short protein forms A212V.
Identifiers: ClinVar variation 2412913 (VCV002412913.7), dbSNP rs2525640747, ClinGen allele CA337958536.
Genomic context (GRCh38, chr1:2,028,236, plus strand): 5'-TCGTCTACTACTGGTCGGAGAGCCAGGAGCACATCCACGGGCTGGACAAGCTGCAGCTGG[C>T]GCAGTTCACCATCACCAGCTACCGCTTCACCACGGAGCTGATGAACTTCAAGTCCGGTAA-3'
Protein context (NP_000806.2, residues 202-222): HIHGLDKLQL[Ala212Val]QFTITSYRFT